The following is an entry in ClinVar:

ClinVar aggregate classification (germline): Uncertain significance (1 of 4 stars; one submission).

gnomAD v4.1: 1 of 1,607,580 alleles (0.000062%); highest among the groups gnomAD compares: South Asian, 0.0011%; no homozygotes.

Submission:

Labcorp Genetics (formerly Invitae), Labcorp
Classification: Uncertain significance. Last evaluated: 2021-10-17. Review status: criteria provided, single submitter. Criteria: Invitae Variant Classification Sherloc (09022015). Collection method: clinical testing. Allele origin: germline.
Comment: This sequence change replaces cysteine with tryptophan at codon 571 of the GRM6 protein (p.Cys571Trp). The cysteine residue is highly conserved and there is a large physicochemical difference between cysteine and tryptophan. This variant is not present in population databases (ExAC no frequency). This variant has not been reported in the literature in individuals affected with GRM6-related conditions. Advanced modeling of protein sequence and biophysical properties (such as structural, functional, and spatial information, amino acid conservation, physicochemical variation, residue mobility, and thermodynamic stability) performed at Invitae indicates that this missense variant is expected to disrupt GRM6 protein function. In summary, the available evidence is currently insufficient to determine the role of this variant in disease. Therefore, it has been classified as a Variant of Uncertain Significance.

NM_000843.4(GRM6):c.1713C>G (p.Cys571Trp)

Genes: GRM6 (glutamate metabotropic receptor 6; minus strand), ZNF454 (zinc finger protein 454; plus strand). Cytogenetic location: 5q35.3.
Variant type: single nucleotide variant.
Coding change: c.1713C>G on transcript NM_000843.4 (MANE Select); coding-DNA position 1713, C replaced by G.
Protein change: p.Cys571Trp; replaces cysteine 571 with tryptophan.
Molecular consequence: missense variant.
Genome position (GRCh38, 1-based): chr5:178,986,541, G>C on the plus strand (C>G on the coding strand, the complement: GRM6 is on the minus strand). VCF-style: chr5-178986541-G-C. GRCh37 (hg19) VCF-style: chr5-178413542-G-C.
Other names: short protein forms C571W.
Identifiers: ClinVar variation 1464560 (VCV001464560.6), dbSNP rs2113329007, ClinGen allele CA362427492.